The following is an entry in ClinVar:

ClinVar aggregate classification (germline): Pathogenic (1 of 4 stars; one submission).

Submission:

Labcorp Genetics (formerly Invitae), Labcorp
Classification: Pathogenic. Last evaluated: 2023-09-11. Review status: criteria provided, single submitter. Criteria: Invitae Variant Classification Sherloc (09022015). Collection method: clinical testing. Allele origin: germline.
Comment: This sequence change affects a donor splice site in intron 5 of the GNAS gene. It is expected to disrupt RNA splicing. Variants that disrupt the donor or acceptor splice site typically lead to a loss of protein function (PMID: 16199547), and loss-of-function variants in GNAS are known to be pathogenic (PMID: 11784876, 23281139, 23796510, 25802881). This variant is not present in population databases (gnomAD no frequency). For these reasons, this variant has been classified as Pathogenic. Algorithms developed to predict the effect of sequence changes on RNA splicing suggest that this variant may disrupt the consensus splice site. Disruption of this splice site has been observed in individual(s) with GNAS-related conditions (PMID: 31696922). In at least one individual the variant was observed to be de novo.

Literature cited by the submitters: PubMed 16199547; PubMed 11784876; PubMed 23281139; PubMed 23796510; PubMed 25802881; PubMed 31696922.

NM_000516.7(GNAS):c.432+2T>C

Gene: GNAS (GNAS complex locus; plus strand). Cytogenetic location: 20q13.32.
Variant type: single nucleotide variant.
Coding change: c.432+2T>C on transcript NM_000516.7 (MANE Select); the canonical splice donor site of the intron after coding-DNA position 432, T replaced by C.
Molecular consequence: splice donor variant.
Genome position (GRCh38, 1-based): chr20:58,903,793, T>C. VCF-style: chr20-58903793-T-C. GRCh37 (hg19) VCF-style: chr20-57478848-T-C.
Other names: c.255+2T>C (NM_001309861.2, NM_001309840.2); c.*293+2T>C (NM_001077490.3); c.2361+2T>C (NM_080425.4); c.2316+2T>C (NM_001410913.1); c.435+2T>C (NM_001077488.5); c.390+2T>C (NM_080426.4); c.387+2T>C (NM_001077489.4); c.*338+2T>C (NM_016592.5); and 1 more.
Identifiers: ClinVar variation 2760146 (VCV002760146.3), dbSNP rs2146185827, ClinGen allele CA409450728.